The following is an entry in ClinVar:

NM_022552.5(DNMT3A):c.1799A>G (p.Asp600Gly)

Gene: DNMT3A (DNA methyltransferase 3 alpha; minus strand). Cytogenetic location: 2p23.3.
Variant type: single nucleotide variant.
Coding change: c.1799A>G on transcript NM_022552.5 (MANE Select); coding-DNA position 1799, A replaced by G.
Protein change: p.Asp600Gly; replaces aspartic acid 600 with glycine.
Molecular consequence: missense variant. On other transcripts: non-coding transcript variant (1).
Genome position (GRCh38, 1-based): chr2:25,244,207, T>C on the plus strand (A>G on the coding strand, the complement: DNMT3A is on the minus strand). VCF-style: chr2-25244207-T-C. GRCh37 (hg19) VCF-style: chr2-25467076-T-C.
Other names: c.1343A>G, p.Asp448Gly (NM_001320893.1); c.1130A>G, p.Asp377Gly (NM_001375819.1); c.1232A>G, p.Asp411Gly (NM_153759.3); c.1799A>G, p.Asp600Gly (NM_175629.2); short protein forms D377G, D411G, D448G, D600G.
Identifiers: ClinVar variation 3346489 (VCV003346489.1).

ClinVar aggregate classification (germline): Uncertain significance (0 of 4 stars; one submission).

Conditions:
DNMT3A-related disorder. Also called: DNMT3A-related condition; DNMT3A-related disorders.

Submission:

PreventionGenetics, part of Exact Sciences
Classification: Uncertain significance for DNMT3A-related condition. Last evaluated: 2024-07-11. Review status: no assertion criteria provided. Collection method: clinical testing. Allele origin: germline.
Comment: The DNMT3A c.1799A>G variant is predicted to result in the amino acid substitution p.Asp600Gly. To our knowledge, this variant has not been reported in the literature or in a large population database, indicating this variant is rare. At this time, the clinical significance of this variant is uncertain due to the absence of conclusive functional and genetic evidence.